The following is an entry in ClinVar:

ClinVar aggregate classification (germline): Pathogenic (1 of 4 stars; one submission).

Submission:

Labcorp Genetics (formerly Invitae), Labcorp
Classification: Pathogenic. Last evaluated: 2024-01-11. Review status: criteria provided, single submitter. Criteria: Invitae Variant Classification Sherloc (09022015). Collection method: clinical testing. Allele origin: germline.
Comment: This sequence change creates a premature translational stop signal (p.Arg553Alafs*23) in the KIAA0753 gene. It is expected to result in an absent or disrupted protein product. Loss-of-function variants in KIAA0753 are known to be pathogenic (PMID: 29138412). This variant is not present in population databases (gnomAD no frequency). This variant has not been reported in the literature in individuals affected with KIAA0753-related conditions. For these reasons, this variant has been classified as Pathogenic.

Literature cited by the submitters: PubMed 29138412.

NM_014804.3(KIAA0753):c.1657del (p.Arg553fs)

Gene: KIAA0753 (KIAA0753; minus strand). Cytogenetic location: 17p13.1.
Variant type: Deletion.
Coding change: c.1657del on transcript NM_014804.3 (MANE Select); coding-DNA position 1657, one base deleted (C; older notation c.1657delC).
Protein change: p.Arg553fs; shifts the reading frame from arginine 553.
Molecular consequence: frameshift variant. On other transcripts: non-coding transcript variant (3).
Genome position (GRCh38, 1-based): chr17:6,610,049, G deleted on the plus strand (C on the coding strand, the reverse complement: KIAA0753 is on the minus strand); the first of 2 consecutive G bases (chr17:6,610,049-6,610,050); deleting either gives the same sequence. VCF-style (leftmost placement, unchanged base first): chr17-6610048-CG-C. GRCh37 (hg19) VCF-style: chr17-6513368-CG-C.
Other names: c.760del, p.Arg254fs (NM_001351225.2); short protein forms R553fs, R254fs.
Identifiers: ClinVar variation 2694119 (VCV002694119.3), dbSNP rs2544410051, ClinGen allele CA2697559370.
Genomic context (GRCh38, chr17:6,610,048, plus strand): 5'-ACATACCATTTAGGAGACGCTGGTGGGGATGTGGGGTTTGGGGGTATCCATGGTGCCTTG[CG>C]GTCTTTCACAGGCTGCCGGTTCATTTTTAATCTGGATGAAACTGTTGTCTGCTGCACTCT-3'